The following is an entry in ClinVar:

ClinVar aggregate classification (germline): Uncertain significance (1 of 4 stars; one submission).

Conditions:
Inborn genetic diseases. Identifiers: MedGen C0950123, MeSH D030342.
Ocular cystinosis. Also called: Non-Nephropathic Cystinosis; Non-Nephropathic (Ocular) Cystinosis. Identifiers: Orphanet 213, Orphanet 411641, MedGen C2931013, MONDO:0009064, OMIM 219750.
Juvenile nephropathic cystinosis. Also called: Intermediate Cystinosis; CYSTINOSIS, LATE-ONSET JUVENILE OR ADOLESCENT NEPHROPATHIC TYPE; Later-Onset (Juvenile) Cystinosis. Identifiers: Orphanet 213, Orphanet 411634, MedGen C0268626, MONDO:0009066, OMIM 219900.

Allele frequency attached by ClinVar (database versions not stated): ExAC 0.00002.

Submission:

Labcorp Genetics (formerly Invitae), Labcorp
Classification: Uncertain significance for Inborn genetic diseases; Ocular cystinosis; Juvenile nephropathic cystinosis. Last evaluated: 2023-10-03. Review status: criteria provided, single submitter. Criteria: Invitae Variant Classification Sherloc (09022015). Collection method: clinical testing. Allele origin: germline.
Comment: This sequence change replaces valine, which is neutral and non-polar, with isoleucine, which is neutral and non-polar, at codon 206 of the CTNS protein (p.Val206Ile). This variant is present in population databases (rs140572605, gnomAD 0.002%). This variant has not been reported in the literature in individuals affected with CTNS-related conditions. ClinVar contains an entry for this variant (Variation ID: 2140634). Advanced modeling of protein sequence and biophysical properties (such as structural, functional, and spatial information, amino acid conservation, physicochemical variation, residue mobility, and thermodynamic stability) performed at Invitae indicates that this missense variant is not expected to disrupt CTNS protein function. In summary, the available evidence is currently insufficient to determine the role of this variant in disease. Therefore, it has been classified as a Variant of Uncertain Significance.

NM_004937.3(CTNS):c.616G>A (p.Val206Ile)

Genes: CTNS (cystinosin, lysosomal cystine transporter; plus strand), CTNS-AS1 (CTNS antisense RNA 1; minus strand). Cytogenetic location: 17p13.2.
Variant type: single nucleotide variant.
Coding change: c.616G>A on transcript NM_004937.3 (MANE Select); coding-DNA position 616, G replaced by A.
Protein change: p.Val206Ile; replaces valine 206 with isoleucine.
Molecular consequence: missense variant.
Genome position (GRCh38, 1-based): chr17:3,656,730, G>A. VCF-style: chr17-3656730-G-A. GRCh37 (hg19) VCF-style: chr17-3560024-G-A.
Other names: c.616G>A, p.Val206Ile (NM_001031681.3, NM_001374492.1); c.175G>A, p.Val59Ile (NM_001374493.1, NM_001374494.1, NM_001374495.1 and 1 more transcripts); short protein forms V59I, V206I.
Identifiers: ClinVar variation 2140634 (VCV002140634.2), dbSNP rs140572605, ClinGen allele CA8291799.